The following is an entry in ClinVar:

NM_152328.5(ADSS1):c.982G>A (p.Glu328Lys)

Gene: ADSS1 (adenylosuccinate synthase 1; plus strand). Cytogenetic location: 14q32.33.
Variant type: single nucleotide variant.
Coding change: c.982G>A on transcript NM_152328.5 (MANE Select); coding-DNA position 982, G replaced by A.
Protein change: p.Glu328Lys; replaces glutamic acid 328 with lysine.
Molecular consequence: missense variant.
Genome position (GRCh38, 1-based): chr14:104,743,100, G>A. VCF-style: chr14-104743100-G-A. GRCh37 (hg19) VCF-style: chr14-105209437-G-A.
Other names: c.367G>A, p.Glu123Lys (NM_001320424.1); c.1111G>A, p.Glu371Lys (NM_199165.2); short protein forms E123K, E328K, E371K.
Identifiers: ClinVar variation 1681993 (VCV001681993.6), dbSNP rs772167104, ClinGen allele CA7373966.

ClinVar aggregate classification (germline): Uncertain significance (1 of 4 stars; one submission).

Allele frequency attached by ClinVar (database versions not stated): gnomAD exomes 0.00001 and 0.00002; TOPMed 0.00001; ExAC 0.00002.
gnomAD v4.1: 13 of 1,613,076 alleles (0.00081%); highest among the groups gnomAD compares: Admixed American, 0.0083%; no homozygotes.

Submission:

Labcorp Genetics (formerly Invitae), Labcorp
Classification: Uncertain significance. Last evaluated: 2021-10-04. Review status: criteria provided, single submitter. Criteria: Invitae Variant Classification Sherloc (09022015). Collection method: clinical testing. Allele origin: germline.
Comment: This sequence change replaces glutamic acid with lysine at codon 371 of the ADSSL1 protein (p.Glu371Lys). There is a small physicochemical difference between glutamic acid and lysine. This variant is present in population databases (rs772167104, ExAC 0.03%). This variant has not been reported in the literature in individuals affected with ADSSL1-related conditions. Algorithms developed to predict the effect of missense changes on protein structure and function are either unavailable or do not agree on the potential impact of this missense change (SIFT: "Not Available"; PolyPhen-2: "Possibly Damaging"; Align-GVGD: "Not Available"). In summary, the available evidence is currently insufficient to determine the role of this variant in disease. Therefore, it has been classified as a Variant of Uncertain Significance.